The following is an entry in ClinVar:

NM_004793.4(LONP1):c.2245C>T (p.Pro749Ser)

Gene: LONP1 (lon peptidase 1, mitochondrial; minus strand). Cytogenetic location: 19p13.3.
Variant type: single nucleotide variant.
Coding change: c.2245C>T on transcript NM_004793.4 (MANE Select); coding-DNA position 2245, C replaced by T.
Protein change: p.Pro749Ser; replaces proline 749 with serine.
Molecular consequence: missense variant. On other transcripts: non-coding transcript variant (1).
Genome position (GRCh38, 1-based): chr19:5,694,462, G>A on the plus strand (C>T on the coding strand, the complement: LONP1 is on the minus strand). VCF-style: chr19-5694462-G-A. GRCh37 (hg19) VCF-style: chr19-5694473-G-A.
Other names: c.2053C>T, p.Pro685Ser (NM_001276479.2); c.1657C>T, p.Pro553Ser (NM_001276480.1); short protein forms P553S, P685S, P749S.
Identifiers: ClinVar variation 1065599 (VCV001065599.2), dbSNP rs2145578983, ClinGen allele CA403527340.
Genomic context (GRCh38, chr19:5,694,462, plus strand): 5'-CCAGCCCCATGACCACGCCGGGCGGTGTCACGTCATACATGCGCTCCACGGTGAACACGG[G>A]CTTCCCCACGAAGTCCTGCAGGTTCTCGGGCGTCACCTCCACGGACTCGGCCTCGCCGCT-3'
Protein context (NP_004784.2, residues 739-759): PENLQDFVGK[Pro749Ser]VFTVERMYDV

ClinVar aggregate classification (germline): Pathogenic. Review status: criteria provided, single submitter (1 of 4 stars). 2 submissions from 2 submitters: Pathogenic (1). 1 of the submissions does not count toward it. Last evaluated 2021-09-29.

Conditions:
Developmental cataract. Also called: Congenital cataract; Bilateral cataracts; Congenital cataracts. Identifiers: MedGen C0009691, HP:0000519.
Chondrodysplasia. Identifiers: MedGen C0343284, MONDO:0022723.

Allele frequency attached by ClinVar (database versions not stated): gnomAD exomes below 0.00001.
gnomAD v4.1: 7 of 1,613,406 alleles (0.00043%); highest among the groups gnomAD compares: Non-Finnish European, 0.00051%; no homozygotes.

Submissions (2):

AURAGEN, Plan France Médecine Génomique
Classification: Pathogenic for Chondrodysplasia. Last evaluated: 2021-09-29. Review status: criteria provided, single submitter. Criteria: PFMG2025 (Lancet Reg Health Eur. 2025). Collection method: clinical testing. Allele origin: germline. Affected: yes.

Dept. Genetics and Cancer, Menzies Institute for Medical Research, University of Tasmania
Classification: Uncertain significance for Developmental cataract. Last evaluated: 2021-05-01. Review status: no assertion criteria provided. Criteria: ACMG Guidelines, 2015. Collection method: research. Allele origin: germline. Affected: yes. Not counted in ClinVar's aggregate classification.
Comment: PM2, PP3. Absent/near absent from population databases and multiple predictive tools assessing variant as damaging/pathogenic. BS4.